The following is an entry in ClinVar:

NM_033087.4(ALG2):c.971A>G (p.Asn324Ser)

Gene: ALG2 (ALG2 alpha-1,3/1,6-mannosyltransferase; minus strand). Cytogenetic location: 9q22.33.
Variant type: single nucleotide variant.
Coding change: c.971A>G on transcript NM_033087.4 (MANE Select); coding-DNA position 971, A replaced by G.
Protein change: p.Asn324Ser; replaces asparagine 324 with serine.
Molecular consequence: missense variant. On other transcripts: non-coding transcript variant (1).
Genome position (GRCh38, 1-based): chr9:99,218,214, T>C on the plus strand (A>G on the coding strand, the complement: ALG2 is on the minus strand). VCF-style: chr9-99218214-T-C. GRCh37 (hg19) VCF-style: chr9-101980496-T-C.
Other names: c.971A>G (NM_033087.3); short protein forms N324S.
Identifiers: ClinVar variation 2027307 (VCV002027307.5), dbSNP rs1295566178, ClinGen allele CA374226725.
Genomic context (GRCh38, chr9:99,218,214, plus strand): 5'-ACAGCAATGACTGGGCACTGCATGTACATGGCTTCCAGAGGGACAATGCCAAAGTGCTCA[T>C]TGCTTGGTGTGTAAAGCACACACGTGCAGCTGTGGAGGAGGGAGATTTTCTGTTTGTCTG-3'
Protein context (NP_149078.1, residues 314-334): SCTCVLYTPS[Asn324Ser]EHFGIVPLEA

ClinVar aggregate classification (germline): Uncertain significance. Review status: criteria provided, multiple submitters, no conflicts (2 of 4 stars). 3 submissions from 3 submitters: Uncertain significance (3). Last evaluated 2023-07-25.

Conditions:
Congenital disorder of glycosylation, type Ii. Also called: CDG Ii; ALG2-CDG; ALG2-congenital disorder of glycosylation. Identifiers: Orphanet 79326, MedGen C1842836, MONDO:0011933, OMIM 607906.
Congenital myasthenic syndrome 14. Also called: Myasthenic syndrome, congenital, 14, with tubular aggregates. Identifiers: Orphanet 353327, Orphanet 590, MedGen C4015597, MONDO:0014543, OMIM 616228.
Inborn genetic diseases. Identifiers: MedGen C0950123, MeSH D030342.

Allele frequency attached by ClinVar (database versions not stated): gnomAD exomes below 0.00001.

Submissions (3):

Ambry Genetics
Classification: Uncertain significance for Inborn genetic diseases. Last evaluated: 2023-07-25. Review status: criteria provided, single submitter. Criteria: Ambry Variant Classification Scheme 2023. Collection method: clinical testing. Allele origin: germline.

GeneDx
Classification: Uncertain significance. Last evaluated: 2023-03-26. Review status: criteria provided, single submitter. Criteria: GeneDx Variant Classification Process June 2021. Collection method: clinical testing. Allele origin: germline. Affected: yes.
Comment: Not observed at significant frequency in large population cohorts (gnomAD); In silico analysis supports that this missense variant has a deleterious effect on protein structure/function; Has not been previously published as pathogenic or benign to our knowledge

Labcorp Genetics (formerly Invitae), Labcorp
Classification: Uncertain significance for Congenital disorder of glycosylation, type Ii; Congenital myasthenic syndrome 14. Last evaluated: 2022-04-15. Review status: criteria provided, single submitter. Criteria: Invitae Variant Classification Sherloc (09022015). Collection method: clinical testing. Allele origin: germline.
Comment: This variant has not been reported in the literature in individuals affected with ALG2-related conditions. This sequence change replaces asparagine, which is neutral and polar, with serine, which is neutral and polar, at codon 324 of the ALG2 protein (p.Asn324Ser). This variant is present in population databases (no rsID available, gnomAD 0.003%). Algorithms developed to predict the effect of missense changes on protein structure and function are either unavailable or do not agree on the potential impact of this missense change (SIFT: "Tolerated"; PolyPhen-2: "Possibly Damaging"; Align-GVGD: "Class C0"). In summary, the available evidence is currently insufficient to determine the role of this variant in disease. Therefore, it has been classified as a Variant of Uncertain Significance.